The following is an entry in ClinVar:

NM_013339.4(ALG6):c.428A>C (p.Lys143Thr)

Gene: ALG6 (ALG6 alpha-1,3-glucosyltransferase; plus strand). Cytogenetic location: 1p31.3.
Variant type: single nucleotide variant.
Coding change: c.428A>C on transcript NM_013339.4 (MANE Select); coding-DNA position 428, A replaced by C.
Protein change: p.Lys143Thr; replaces lysine 143 with threonine.
Molecular consequence: missense variant.
Genome position (GRCh38, 1-based): chr1:63,406,398, A>C. VCF-style: chr1-63406398-A-C. GRCh37 (hg19) VCF-style: chr1-63872069-A-C.
Other names: short protein forms K143T.
Identifiers: ClinVar variation 1426484 (VCV001426484.6), dbSNP rs2100417066, ClinGen allele CA340634645.
Genomic context (GRCh38, chr1:63,406,398, plus strand): 5'-TTTACATACCTGCAGTGGTTTTGTACTGTTGTTGCTTAAAAGAAATCTCAACTAAGAAAA[A>C]GGTAGGTTTTCAAGCAGCCTGACAGTTCGTCTCTGAAATGTATTCTTTATTAGTCTAACT-3'
Protein context (NP_037471.2, residues 133-153): CCLKEISTKK[Lys143Thr]IANALCILLY

ClinVar aggregate classification (germline): Uncertain significance (1 of 4 stars; one submission).

Conditions:
ALG6-congenital disorder of glycosylation 1C (CDG1C). Also called: CDG Ic; CARBOHYDRATE-DEFICIENT GLYCOPROTEIN SYNDROME, TYPE I, WITH DEFICIENT GLYCOSYLATION OF DOLICHOL-LINKED OLIGOSACCHARIDE; CARBOHYDRATE-DEFICIENT GLYCOPROTEIN SYNDROME, TYPE V; Congenital disorder of glycosylation, type Ic; Congenital disorder of glycosylation type 1C. Identifiers: Orphanet 79320, MedGen C2930997, MONDO:0011291, OMIM 603147.

Submission:

Labcorp Genetics (formerly Invitae), Labcorp
Classification: Uncertain significance for ALG6-congenital disorder of glycosylation 1C. Last evaluated: 2022-10-28. Review status: criteria provided, single submitter. Criteria: Invitae Variant Classification Sherloc (09022015). Collection method: clinical testing. Allele origin: germline.
Comment: In summary, the available evidence is currently insufficient to determine the role of this variant in disease. Therefore, it has been classified as a Variant of Uncertain Significance. Algorithms developed to predict the effect of missense changes on protein structure and function are either unavailable or do not agree on the potential impact of this missense change (SIFT: "Tolerated"; PolyPhen-2: "Possibly Damaging"; Align-GVGD: "Class C0"). ClinVar contains an entry for this variant (Variation ID: 1426484). This variant has not been reported in the literature in individuals affected with ALG6-related conditions. This variant is not present in population databases (gnomAD no frequency). This sequence change replaces lysine, which is basic and polar, with threonine, which is neutral and polar, at codon 143 of the ALG6 protein (p.Lys143Thr).